The following is an entry in ClinVar:

ClinVar aggregate classification (germline): Uncertain significance (1 of 4 stars; one submission).

Conditions:
Autosomal dominant hypocalcemia 1 (HYPOC1). Also called: HYPOCALCEMIA, FAMILIAL. Identifiers: MedGen C3715128, MONDO:0011013, OMIM 601198.
Familial hypocalciuric hypercalcemia (FHH). Also called: Familial benign hypercalcemia. Identifiers: Orphanet 405, MedGen C1809471, MONDO:0018458.

Submission:

Labcorp Genetics (formerly Invitae), Labcorp
Classification: Uncertain significance for Familial hypocalciuric hypercalcemia; Autosomal dominant hypocalcemia 1. Last evaluated: 2020-08-31. Review status: criteria provided, single submitter. Criteria: Invitae Variant Classification Sherloc (09022015). Collection method: clinical testing. Allele origin: germline.
Comment: In summary, the available evidence is currently insufficient to determine the role of this variant in disease. Therefore, it has been classified as a Variant of Uncertain Significance. Algorithms developed to predict the effect of missense changes on protein structure and function (SIFT, PolyPhen-2, Align-GVGD) all suggest that this variant is likely to be disruptive, but these predictions have not been confirmed by published functional studies and their clinical significance is uncertain. This variant has not been reported in the literature in individuals with CASR-related conditions. This variant is not present in population databases (ExAC no frequency). This sequence change replaces methionine with arginine at codon 197 of the CASR protein (p.Met197Arg). The methionine residue is highly conserved and there is a moderate physicochemical difference between methionine and arginine.

NM_000388.4(CASR):c.590T>G (p.Met197Arg)

Gene: CASR (calcium sensing receptor; plus strand). Cytogenetic location: 3q21.1.
Variant type: single nucleotide variant.
Coding change: c.590T>G on transcript NM_000388.4 (MANE Select); coding-DNA position 590, T replaced by G.
Protein change: p.Met197Arg; replaces methionine 197 with arginine.
Molecular consequence: missense variant.
Genome position (GRCh38, 1-based): chr3:122,261,625, T>G. VCF-style: chr3-122261625-T-G. GRCh37 (hg19) VCF-style: chr3-121980472-T-G.
Other names: c.590T>G, p.Met197Arg (NM_001178065.2); short protein forms M197R.
Identifiers: ClinVar variation 1059445 (VCV001059445.9), dbSNP rs774235352, ClinGen allele CA354150913.